The following is an entry in ClinVar:

NM_000130.5(F5):c.6528G>C (p.Lys2176Asn)

Gene: F5 (coagulation factor V; minus strand). Cytogenetic location: 1q24.2.
Variant type: single nucleotide variant.
Coding change: c.6528G>C on transcript NM_000130.5 (MANE Select); coding-DNA position 6528, G replaced by C.
Protein change: p.Lys2176Asn; replaces lysine 2176 with asparagine.
Molecular consequence: missense variant.
Genome position (GRCh38, 1-based): chr1:169,515,444, C>G on the plus strand (G>C on the coding strand, the complement: F5 is on the minus strand). VCF-style: chr1-169515444-C-G. GRCh37 (hg19) VCF-style: chr1-169484682-C-G.
Other names: short protein forms K2176N.
Identifiers: ClinVar variation 3718578 (VCV003718578.2).
Genomic context (GRCh38, chr1:169,515,444, plus strand): 5'-GTTATTCTCATTATAGCACAGTCTTCAGATTGCTTTCTCTTTGCCCAGATGCCACTCTAC[C>G]TTGTCCACCATGGAGGATTTCAGCCTGTATGGTTTCCATTCCACTCCCTGCTCACTGTAG-3'
Protein context (NP_000121.2, residues 2166-2186): PYRLKSSMVD[Lys2176Asn]IFEGNTNTKG

ClinVar aggregate classification (germline): Uncertain significance (1 of 4 stars; one submission).

Conditions:
Congenital factor V deficiency. Also called: Hereditary factor V deficiency disease; LABILE FACTOR DEFICIENCY; OWREN PARAHEMOPHILIA; PARAHEMOPHILIA. Identifiers: Orphanet 326, MedGen C0015499, MONDO:0009210, OMIM 227400.

Submission:

Labcorp Genetics (formerly Invitae), Labcorp
Classification: Uncertain significance for Congenital factor V deficiency. Last evaluated: 2024-02-27. Review status: criteria provided, single submitter. Criteria: Invitae Variant Classification Sherloc (09022015). Collection method: clinical testing. Allele origin: germline.
Comment: This sequence change replaces lysine, which is basic and polar, with asparagine, which is neutral and polar, at codon 2176 of the F5 protein (p.Lys2176Asn). This variant also falls at the last nucleotide of exon 24, which is part of the consensus splice site for this exon. This variant is not present in population databases (gnomAD no frequency). This missense change has been observed in individual(s) with factor V deficiency (PMID: 30791524). This variant is also known as p.K2148N. An algorithm developed to predict the effect of missense changes on protein structure and function (PolyPhen-2) suggests that this variant is likely to be disruptive. Variants that disrupt the consensus splice site are a relatively common cause of aberrant splicing (PMID: 17576681, 9536098). Studies have shown that this missense change alters mRNA splicing and is expected to lead to the loss of protein expression (PMID: 30791524). In summary, the available evidence is currently insufficient to determine the role of this variant in disease. Therefore, it has been classified as a Variant of Uncertain Significance.

Literature cited by the submitters: PubMed 30791524; PubMed 17576681; PubMed 9536098.